The following is an entry in ClinVar:

NM_001010892.3(RSPH4A):c.2010dup (p.Ser671fs)

Gene: RSPH4A (radial spoke head component 4A; plus strand). Cytogenetic location: 6q22.1.
Variant type: Duplication.
Coding change: c.2010dup on transcript NM_001010892.3 (MANE Select); coding-DNA position 2010, one base duplicated (C; older notation c.2010dupC).
Protein change: p.Ser671fs; shifts the reading frame from serine 671.
Molecular consequence: frameshift variant. On other transcripts: 3 prime UTR variant (1).
Genome position (GRCh38, 1-based): chr6:116,632,300, C duplicated; the last of 4 consecutive C bases (chr6:116,632,297-116,632,300); duplicating any one gives the same sequence. VCF-style (leftmost placement, unchanged base first): chr6-116632296-A-AC. GRCh37 (hg19) VCF-style: chr6-116953459-A-AC.
Other names: c.*71dup (NM_001161664.2); c.2010dupC (NM_001010892.2); short protein forms S671fs.
Identifiers: ClinVar variation 642424 (VCV000642424.9), dbSNP rs1400425886, ClinGen allele CA570038189.
Genomic context (GRCh38, chr6:116,632,296, plus strand): 5'-GTCATAAGTATAGTCCAGACAATTATACACCCCCAGTTCCACCACCAGTTTATCAAGAAT[A>AC]CCCCAGTGGACCAGAAATTACAGAAATGGATGATCCTAGTGTGGAGGAGGAGCAGGCTTT-3'

ClinVar aggregate classification (germline): Likely pathogenic (1 of 4 stars; one submission).

Conditions:
Primary ciliary dyskinesia. Also called: Ciliary dyskinesia. Identifiers: Orphanet 244, MedGen C0008780, MONDO:0016575, HP:0012265.

Submission:

Labcorp Genetics (formerly Invitae), Labcorp
Classification: Likely pathogenic for Primary ciliary dyskinesia. Last evaluated: 2018-09-06. Review status: criteria provided, single submitter. Criteria: Invitae Variant Classification Sherloc (09022015). Collection method: clinical testing. Allele origin: germline.
Comment: This sequence change results in a premature translational stop signal in the RSPH4A gene (p.Ser671Glnfs*10). While this is not anticipated to result in nonsense mediated decay, it is expected to disrupt the last 46 amino acids of the RSPH4A protein. This variant is not present in population databases (ExAC no frequency). In summary, the currently available evidence indicates that the variant is pathogenic, but additional data are needed to prove that conclusively. Therefore, this variant has been classified as Likely Pathogenic.